The following is an entry in ClinVar:

ClinVar aggregate classification (germline): Uncertain significance. Review status: criteria provided, multiple submitters, no conflicts (2 of 4 stars). 3 submissions from 3 submitters: Uncertain significance (3). Last evaluated 2024-07-01.

Conditions:
MED13L-related disorder. Also called: MED13L-related condition.
Dextro-looped transposition of the great arteries. Also called: Dextrotransposition of the great arteries. Identifiers: Orphanet 860, MedGen C3531771, MONDO:0019443, OMIM 608808, HP:0031348.

Submissions (3):

Women's Health and Genetics/Laboratory Corporation of America, LabCorp
Classification: Uncertain significance. Last evaluated: 2024-07-01. Review status: criteria provided, single submitter. Criteria: LabCorp Variant Classification Summary - May 2015. Collection method: clinical testing. Allele origin: germline.
Comment: Variant summary: MED13L c.1300_1302delTGT (p.Cys434del) results in an in-frame deletion that is predicted to remove 1 amino acid from the encoded protein. The variant allele was found at a frequency of 8e-06 in 250632 control chromosomes. The available data on variant occurrences in the general population are insufficient to allow any conclusion about variant significance. To our knowledge, no occurrence of c.1300_1302delTGT in individuals affected with Intellectual Disability And Distinctive Facial Features With Or Without Cardiac Defects and no experimental evidence demonstrating its impact on protein function have been reported. ClinVar contains an entry for this variant (Variation ID: 2151601). Based on the evidence outlined above, the variant was classified as uncertain significance.

PreventionGenetics, part of Exact Sciences
Classification: Uncertain significance for MED13L-related condition. Last evaluated: 2023-05-08. Review status: criteria provided, single submitter. Criteria: ACMG Guidelines, 2015. Collection method: clinical testing. Allele origin: germline.
Comment: The MED13L c.1300_1302delTGT variant is predicted to result in an in-frame deletion (p.Cys434del). To our knowledge, this variant has not been reported in the literature. This variant is reported in 0.0063% of alleles in individuals of African descent in gnomAD. At this time, the clinical significance of this variant is uncertain due to the absence of conclusive functional and genetic evidence.

Labcorp Genetics (formerly Invitae), Labcorp
Classification: Uncertain significance for Dextro-looped transposition of the great arteries. Last evaluated: 2022-07-29. Review status: criteria provided, single submitter. Criteria: Invitae Variant Classification Sherloc (09022015). Collection method: clinical testing. Allele origin: germline.
Comment: This variant, c.1300_1302del, results in the deletion of 1 amino acid(s) of the MED13L protein (p.Cys434del), but otherwise preserves the integrity of the reading frame. This variant is present in population databases (rs746994172, gnomAD 0.007%). This variant has not been reported in the literature in individuals affected with MED13L-related conditions. Experimental studies and prediction algorithms are not available or were not evaluated, and the functional significance of this variant is currently unknown. In summary, the available evidence is currently insufficient to determine the role of this variant in disease. Therefore, it has been classified as a Variant of Uncertain Significance.

NM_015335.5(MED13L):c.1300_1302del (p.Cys434del)

Gene: MED13L (mediator complex subunit 13L; minus strand). Cytogenetic location: 12q24.21.
Variant type: Deletion.
Coding change: c.1300_1302del on transcript NM_015335.5 (MANE Select); coding-DNA positions 1300 to 1302, 3 bases deleted (TGT; older notation c.1300_1302delTGT).
Protein change: p.Cys434del; deletes cysteine 434.
Molecular consequence: inframe deletion.
Genome position (GRCh38, 1-based): chr12:116,009,111-116,009,113, ACA deleted on the plus strand (TGT on the coding strand, the reverse complement: MED13L is on the minus strand); deleting any 3 consecutive bases within chr12:116,009,111-116,009,115 gives the same sequence; the c. name uses the placement nearest the transcript's 3' end. VCF-style (leftmost placement, unchanged base first): chr12-116009110-CACA-C. GRCh37 (hg19) VCF-style: chr12-116446915-CACA-C.
Other names: c.1300_1302delTGT (NM_015335.5); short protein forms C434del.
Identifiers: ClinVar variation 2151601 (VCV002151601.6), dbSNP rs746994172, ClinGen allele CA6811431.